The following is an entry in ClinVar:

NM_001110556.2(FLNA):c.6998G>A (p.Arg2333His)

Gene: FLNA (filamin A; minus strand). Cytogenetic location: Xq28.
Variant type: single nucleotide variant.
Coding change: c.6998G>A on transcript NM_001110556.2 (MANE Select); coding-DNA position 6998, G replaced by A.
Protein change: p.Arg2333His; replaces arginine 2333 with histidine.
Molecular consequence: missense variant.
Genome position (GRCh38, 1-based): chrX:154,351,606, C>T on the plus strand (G>A on the coding strand, the complement: FLNA is on the minus strand). VCF-style: chrX-154351606-C-T. GRCh37 (hg19) VCF-style: chrX-153579974-C-T.
Other names: c.6998G>A (NM_001110556.1); c.6974G>A, p.Arg2325His (NM_001456.4); short protein forms R2325H, R2333H.
Identifiers: ClinVar variation 512604 (VCV000512604.19), dbSNP rs377274096, ClinGen allele CA10559976.

ClinVar aggregate classification (germline): Likely benign. Review status: criteria provided, multiple submitters, no conflicts (2 of 4 stars). 5 submissions from 5 submitters: Likely benign (5). Last evaluated 2025-10-29.

Conditions:
Frontometaphyseal dysplasia (FMD1). Identifiers: Orphanet 1826, MedGen C0265293, MONDO:0015942.
Oto-palato-digital syndrome, type II (OPD2). Also called: Otopalatodigital Syndrome Type 2 (FLNA-OPD2); FACIOPALATOOSSEOUS SYNDROME; Otopalatodigital Syndrome, Type II; OPD II SYNDROME. Identifiers: Orphanet 669, Orphanet 90652, MedGen C1844696, MONDO:0010571, OMIM 304120.
Heterotopia, periventricular, X-linked dominant (PVNH1). Also called: X-linked periventricular heterotopia; PERIVENTRICULAR NODULAR HETEROTOPIA 1; PERIVENTRICULAR NODULAR HETEROTOPIA 4; HETEROTOPIA, PERIVENTRICULAR, 1. Identifiers: Orphanet 2149, Orphanet 82004, MedGen C1848213, MONDO:0010233, OMIM 300049.
Melnick-Needles syndrome (MNS). Also called: Melnick-Needles Syndrome (FLNA-MNS); MELNICK-NEEDLES OSTEODYSPLASTY; OSTEODYSPLASTY OF MELNICK AND NEEDLES. Identifiers: Orphanet 2484, MedGen C0025237, MONDO:0010650, OMIM 309350.
Familial thoracic aortic aneurysm and aortic dissection (TAAD). Also called: Thoracic aortic aneurysms and dissections. Identifiers: Orphanet 91387, MedGen C4707243, MONDO:0019625.
FLNA-related disorder.

Allele frequency attached by ClinVar (database versions not stated): gnomAD exomes 0.00003 and 0.00005; ExAC 0.00006; TOPMed 0.00014; gnomAD 0.00015; ESP Exome Variant Server 0.00039.
gnomAD v4.1: 48 of 1,204,031 alleles (0.004%); highest among the groups gnomAD compares: African/African-American, 0.052%; no homozygotes.

Submissions (5):

Labcorp Genetics (formerly Invitae), Labcorp
Classification: Likely benign for Oto-palato-digital syndrome, type II; Heterotopia, periventricular, X-linked dominant; Frontometaphyseal dysplasia; Melnick-Needles syndrome. Last evaluated: 2025-10-29. Review status: criteria provided, single submitter. Criteria: Invitae Variant Classification Sherloc (09022015). Collection method: clinical testing. Allele origin: germline.

PreventionGenetics, part of Exact Sciences
Classification: Likely benign for FLNA-related condition. Last evaluated: 2025-03-12. Review status: criteria provided, single submitter. Criteria: ACMG Guidelines, 2015. Collection method: clinical testing. Allele origin: germline.
Comment: This variant is classified as likely benign based on ACMG/AMP sequence variant interpretation guidelines (Richards et al. 2015 PMID: 25741868, with internal and published modifications).

Blueprint Genetics
Classification: Likely benign. Last evaluated: 2024-11-14. Review status: criteria provided, single submitter. Criteria: ACMG Guidelines, 2015. Collection method: clinical testing. Allele origin: germline.

GeneDx
Classification: Likely benign. Last evaluated: 2019-04-19. Review status: criteria provided, single submitter. Criteria: GeneDx Variant Classification Process June 2021. Collection method: clinical testing. Allele origin: germline. Affected: yes.

Ambry Genetics
Classification: Likely benign for Familial thoracic aortic aneurysm and aortic dissection. Last evaluated: 2018-09-19. Review status: criteria provided, single submitter. Criteria: Ambry Variant Classification Scheme 2023. Collection method: clinical testing. Allele origin: germline.